The following is an entry in ClinVar:

ClinVar aggregate classification (germline): Benign/Likely benign. Review status: criteria provided, multiple submitters, no conflicts (2 of 4 stars). 13 submissions from 12 submitters: Benign (7); Likely benign (5). 1 of the submissions does not count toward it. Last evaluated 2026-06-01.

Conditions:
ATL1-related disorder. Also called: ATL1-related condition.
Inborn genetic diseases. Identifiers: MedGen C0950123, MeSH D030342.
Neuropathy, hereditary sensory, type 1D. Identifiers: Orphanet 36386, MedGen C3150972, MONDO:0013381, OMIM 613708.
Hereditary spastic paraplegia. Also called: Familial spastic paraparesis. Identifiers: Orphanet 685, MedGen C0037773, MONDO:0019064. Disease mechanism: loss of function.
Hereditary spastic paraplegia 3A (SPG3A). Also called: SPASTIC PARAPLEGIA 3, AUTOSOMAL DOMINANT; FAMILIAL SPASTIC PARAPLEGIA, AUTOSOMAL DOMINANT, 1; Spastic paraplegia 3A, autosomal dominant; SPG3; STRUMPELL DISEASE; Spastic Paraplegia 3A. Identifiers: Orphanet 100984, MedGen C2931355, MONDO:0008437, OMIM 182600.

Allele frequency attached by ClinVar (database versions not stated): gnomAD exomes 0.00023 and 0.00058; ExAC 0.00074; gnomAD 0.00240 and 0.00263; ESP Exome Variant Server 0.00269; 1000 Genomes Project 30x 0.00281; TOPMed 0.00287; 1000 Genomes Project 0.00339.
gnomAD v4.1: 714 of 1,613,716 alleles (0.044%); highest among the groups gnomAD compares: African/African-American, 0.8%; 4 homozygotes.

Submissions (13):

CeGaT Center for Human Genetics Tuebingen
Classification: Likely benign. Last evaluated: 2026-06-01. Review status: criteria provided, single submitter. Criteria: CeGaT Center For Human Genetics Tuebingen Variant Classification Criteria Version 2. Collection method: clinical testing. Allele origin: germline. Affected: yes. Observed: 3 variant alleles.
Comment: ATL1: BP4, BP7, BS1

Labcorp Genetics (formerly Invitae), Labcorp
Classification: Benign for Hereditary spastic paraplegia 3A. Last evaluated: 2026-01-05. Review status: criteria provided, single submitter. Criteria: Invitae Variant Classification Sherloc (09022015). Collection method: clinical testing. Allele origin: germline.

PreventionGenetics, part of Exact Sciences
Classification: Benign for ATL1-related condition. Last evaluated: 2024-11-18. Review status: criteria provided, single submitter. Criteria: ACMG Guidelines, 2015. Collection method: clinical testing. Allele origin: germline.
Comment: This variant is classified as benign based on ACMG/AMP sequence variant interpretation guidelines (Richards et al. 2015 PMID: 25741868, with internal and published modifications).

Blueprint Genetics
Classification: Likely benign. Last evaluated: 2024-08-12. Review status: criteria provided, single submitter. Criteria: ACMG Guidelines, 2015. Collection method: clinical testing. Allele origin: germline.

Genome-Nilou Lab
Classification: Benign for Neuropathy, hereditary sensory, type 1D. Last evaluated: 2021-12-05. Review status: criteria provided, single submitter. Criteria: ACMG Guidelines, 2015. Collection method: clinical testing. Allele origin: germline. Affected: no.

Genome-Nilou Lab
Classification: Benign for Hereditary spastic paraplegia 3A. Last evaluated: 2021-12-05. Review status: criteria provided, single submitter. Criteria: ACMG Guidelines, 2015. Collection method: clinical testing. Allele origin: germline. Affected: no.

Mayo Clinic Laboratories, Mayo Clinic
Classification: Benign. Last evaluated: 2020-03-09. Review status: criteria provided, single submitter. Criteria: ACMG Guidelines, 2015. Collection method: clinical testing. Allele origin: germline. Observed: 3 variant alleles.

Ambry Genetics
Classification: Likely benign for Inborn genetic diseases. Last evaluated: 2019-07-11. Review status: criteria provided, single submitter. Criteria: Ambry Variant Classification Scheme 2023. Collection method: clinical testing. Allele origin: germline.

Illumina Laboratory Services, Illumina
Classification: Benign for Hereditary spastic paraplegia 3A. Last evaluated: 2018-01-13. Review status: criteria provided, single submitter. Criteria: ICSL Variant Classification Criteria 13 December 2019. Collection method: clinical testing. Allele origin: germline.
Comment: This variant was observed in the ICSL laboratory as part of a predisposition screen in an ostensibly healthy population. It had not been previously curated by ICSL or reported in the Human Gene Mutation Database (HGMD: prior to June 1st, 2018), and was therefore a candidate for classification through an automated scoring system. Utilizing variant allele frequency, disease prevalence and penetrance estimates, and inheritance mode, an automated score was calculated to assess if this variant is too frequent to cause the disease. Based on the score and internal cut-off values, a variant classified as benign is not then subjected to further curation. The score for this variant resulted in a classification of benign for this disease.

Genome Diagnostics Laboratory, The Hospital for Sick Children
Classification: Likely benign for Hereditary spastic paraplegia. Last evaluated: 2017-02-13. Review status: criteria provided, single submitter. Criteria: ACMG Guidelines, 2015. Collection method: clinical testing. Allele origin: germline. Affected: yes.

GeneDx
Classification: Benign. Last evaluated: 2016-08-30. Review status: criteria provided, single submitter. Criteria: GeneDx Variant Classification (06012015). Collection method: clinical testing. Allele origin: germline. Affected: yes.
Comment: This variant is considered likely benign or benign based on one or more of the following criteria: it is a conservative change, it occurs at a poorly conserved position in the protein, it is predicted to be benign by multiple in silico algorithms, and/or has population frequency not consistent with disease.

Breakthrough Genomics
Classification: Likely benign. Review status: criteria provided, single submitter. Criteria: ACMG Guidelines, 2015. Collection method: not provided. Allele origin: germline. Inheritance: Autosomal dominant inheritance. Affected: yes.

GeneReviews
No classification provided. Condition: Hereditary spastic paraplegia 3A. Review status: no classification provided. Collection method: literature only. Allele origin: unknown. Not counted in ClinVar's aggregate classification.

Literature cited by the submitters: PubMed 20862796 (cited by GeneReviews); NCBI Bookshelf NBK45978 (cited by GeneReviews).

NM_015915.5(ATL1):c.621G>A (p.Lys207=)

Gene: ATL1 (atlastin GTPase 1; plus strand). Cytogenetic location: 14q22.1.
Variant type: single nucleotide variant.
Coding change: c.621G>A on transcript NM_015915.5 (MANE Select); coding-DNA position 621, G replaced by A.
Protein change: p.Lys207=; no amino-acid change (lysine 207 retained).
Molecular consequence: synonymous variant.
Genome position (GRCh38, 1-based): chr14:50,595,623, G>A. VCF-style: chr14-50595623-G-A. GRCh37 (hg19) VCF-style: chr14-51062341-G-A.
Other names: p.Lys207=; c.621G>A, p.Lys207= (NM_001127713.1, NM_181598.4).
Identifiers: ClinVar variation 21533 (VCV000021533.30), dbSNP rs35629585, ClinGen allele CA342187.